The following is an entry in ClinVar:

ClinVar aggregate classification (germline): Uncertain significance (1 of 4 stars; one submission).

Conditions:
Hyperkalemic periodic paralysis. Also called: Familial hyperkalemic periodic paralysis; Gamstorp disease. Identifiers: Orphanet 682, MedGen C0238357, MONDO:0008224, OMIM 170500, HP:0007215.

Allele frequency attached by ClinVar (database versions not stated): gnomAD exomes below 0.00001.

Submission:

Labcorp Genetics (formerly Invitae), Labcorp
Classification: Uncertain significance for Hyperkalemic periodic paralysis. Last evaluated: 2025-12-23. Review status: criteria provided, single submitter. Criteria: Invitae Variant Classification Sherloc (09022015). Collection method: clinical testing. Allele origin: germline.
Comment: This sequence change replaces asparagine, which is neutral and polar, with serine, which is neutral and polar, at codon 1297 of the SCN4A protein (p.Asn1297Ser). This variant is not present in population databases (gnomAD no frequency). This missense change has been observed in individual(s) with clinical features of myotonia (PMID: 28993909). ClinVar contains an entry for this variant (Variation ID: 2910436). Invitae Evidence Modeling of protein sequence and biophysical properties (such as structural, functional, and spatial information, amino acid conservation, physicochemical variation, residue mobility, and thermodynamic stability) has been performed for this missense variant. However, the output from this modeling did not meet the statistical confidence thresholds required to predict the impact of this variant on SCN4A protein function. Experimental studies have shown that this missense change affects SCN4A function (PMID: 28993909, 30611854). This variant disrupts the p.Asn1297 amino acid residue in SCN4A. Other variant(s) that disrupt this residue have been determined to be pathogenic (PMID: 18203179, 30611854). This suggests that this residue is clinically significant, and that variants that disrupt this residue are likely to be disease-causing. In summary, the available evidence is currently insufficient to determine the role of this variant in disease. Therefore, it has been classified as a Variant of Uncertain Significance.

Literature cited by the submitters: PubMed 28993909; PubMed 30611854; PubMed 18203179.

NM_000334.4(SCN4A):c.3890A>G (p.Asn1297Ser)

Genes: GH-LCR (growth hormone locus control region; plus strand), SCN4A (sodium voltage-gated channel alpha subunit 4; minus strand). Cytogenetic location: 17q23.3.
Variant type: single nucleotide variant.
Coding change: c.3890A>G on transcript NM_000334.4 (MANE Select); coding-DNA position 3890, A replaced by G.
Protein change: p.Asn1297Ser; replaces asparagine 1297 with serine.
Molecular consequence: missense variant.
Genome position (GRCh38, 1-based): chr17:63,944,695, T>C on the plus strand (A>G on the coding strand, the complement: SCN4A is on the minus strand). VCF-style: chr17-63944695-T-C. GRCh37 (hg19) VCF-style: chr17-62022055-T-C.
Other names: short protein forms N1297S.
Identifiers: ClinVar variation 2910436 (VCV002910436.3), dbSNP rs2509289090, ClinGen allele CA400617261.